The following is an entry in ClinVar:

ClinVar aggregate classification (germline): Likely benign (1 of 4 stars; one submission).

Conditions:
SEMA3B-related disorder. Also called: SEMA3B-related condition.

gnomAD v4.1: 35 of 1,584,422 alleles (0.0022%); highest among the groups gnomAD compares: Admixed American, 0.0068%; no homozygotes.

Submission:

PreventionGenetics, part of Exact Sciences
Classification: Likely benign for SEMA3B-related condition. Last evaluated: 2025-09-22. Review status: criteria provided, single submitter. Criteria: ACMG Guidelines, 2015. Collection method: clinical testing. Allele origin: germline.
Comment: This variant is classified as likely benign based on ACMG/AMP sequence variant interpretation guidelines (Richards et al. 2015 PMID: 25741868, with internal and published modifications).

NM_001290060.2(SEMA3B):c.1488G>A (p.Lys496=)

Gene: SEMA3B (semaphorin 3B; plus strand). Cytogenetic location: 3p21.31.
Variant type: single nucleotide variant.
Coding change: c.1488G>A on transcript NM_001290060.2 (MANE Select); coding-DNA position 1488, G replaced by A.
Protein change: p.Lys496=; no amino-acid change (lysine 496 retained).
Molecular consequence: synonymous variant. On other transcripts: non-coding transcript variant (1).
Genome position (GRCh38, 1-based): chr3:50,275,050, G>A. VCF-style: chr3-50275050-G-A. GRCh37 (hg19) VCF-style: chr3-50312481-G-A.
Other names: c.1485G>A, p.Lys495= (NM_001005914.3, NM_001435957.1, NM_001435958.1); c.1503G>A, p.Lys501= (NM_001290061.1); c.459G>A, p.Lys153= (NM_001290062.2, NM_001290063.2); c.1488G>A, p.Lys496= (NM_001435956.1, NM_004636.4).
Identifiers: ClinVar variation 4984709 (VCV004984709.1).
Genomic context (GRCh38, chr3:50,275,050, plus strand): 5'-CGTCGCCCCTCCTCCCTCTCAGGACTCGGCCGCTGTCACCAGCATGCAAATTTCTTCCAA[G>A]AGGGTGAGTGACCAGGATGGGGGTCGGGGTGGGATGGACTGAGCTTGTGCCTGGCGCGTC-3'
Protein context (NP_001276989.1, residues 486-506): AAVTSMQISS[Lys496=]RHQLYVASRS